The following is an entry in ClinVar:

ClinVar aggregate classification (germline): Conflicting classifications of pathogenicity. Review status: criteria provided, conflicting classifications (1 of 4 stars). 3 submissions from 3 submitters: Uncertain significance (2); Likely benign (1). Last evaluated 2025-04-22.

Conditions:
IMAGe syndrome. Also called: Intrauterine growth retardation, metaphyseal dysplasia, adrenal hypoplasia congenita, and genital anomalies; Intrauterine Growth Restriction, Metaphyseal Dysplasia, Adrenal Hypoplasia Congenita, and Genital Anomalies. Identifiers: Orphanet 85173, MedGen C1846009, MONDO:0013873, OMIM 614732.
Beckwith-Wiedemann syndrome (BWS). Also called: EMG SYNDROME; Exomphalos macroglossia gigantism syndrome. Identifiers: Orphanet 116, MedGen C0004903, MONDO:0007534, OMIM 130650.
CDKN1C-related disorder. Also called: CDKN1C-related condition.

Submissions (3):

Labcorp Genetics (formerly Invitae), Labcorp
Classification: Likely benign for Beckwith-Wiedemann syndrome. Last evaluated: 2025-04-22. Review status: criteria provided, single submitter. Criteria: Invitae Variant Classification Sherloc (09022015). Collection method: clinical testing. Allele origin: germline.

Fulgent Genetics
Classification: Uncertain significance for Beckwith-Wiedemann syndrome; IMAGe syndrome. Last evaluated: 2024-01-20. Review status: criteria provided, single submitter. Criteria: ACMG Guidelines, 2015. Collection method: clinical testing. Allele origin: germline.

PreventionGenetics, part of Exact Sciences
Classification: Uncertain significance for CDKN1C-related condition. Last evaluated: 2023-04-20. Review status: criteria provided, single submitter. Criteria: ACMG Guidelines, 2015. Collection method: clinical testing. Allele origin: germline.
Comment: The CDKN1C c.630_641dup12 variant is predicted to result in an in-frame duplication (p.Ala213_Pro216dup). To our knowledge, this variant has not been reported in the literature or in a large population database, indicating this variant is rare. At this time, the clinical significance of this variant is uncertain due to the absence of conclusive functional and genetic evidence.

NM_001122630.2(CDKN1C):c.597_608dup (p.186_187AP[12])

Gene: CDKN1C (cyclin dependent kinase inhibitor 1C; minus strand). Cytogenetic location: 11p15.4.
Variant type: Duplication.
Coding change: c.597_608dup on transcript NM_001122630.2 (MANE Select); coding-DNA positions 597 to 608, 12 bases duplicated (CGCCCCGGCCCC).
Protein change: p.186_187AP[12].
Molecular consequence: inframe insertion. On other transcripts: intron variant (1).
Genome position (GRCh38, 1-based): chr11:2,884,849-2,884,860, GGGGCCGGGGCG duplicated on the plus strand (CGCCCCGGCCCC on the coding strand, the reverse complement: CDKN1C is on the minus strand); duplicating any 12 consecutive bases within chr11:2,884,849-2,884,871 gives the same sequence; the c. name uses the placement nearest the transcript's 3' end. VCF-style (leftmost placement, unchanged base first): chr11-2884848-C-CGGGGCCGGGGCG. GRCh37 (hg19) VCF-style: chr11-2906078-C-CGGGGCCGGGGCG.
Other names: c.630_641dup12 (NM_000076.2); c.630_641dup, p.197_198AP[12] (LRG_533t1, NM_000076.2, NM_001362474.2); c.597_608dup, p.186_187AP[12] (NM_001122631.2); c.255+342_255+353dup (NM_001362475.2).
Identifiers: ClinVar variation 524721 (VCV000524721.12), dbSNP rs1380480846, ClinGen allele CA658797574.
Genomic context (GRCh38, chr11:2,884,848, plus strand): 5'-GCCGCGCTGCCCCTGGTTCGCGCCCTGCTCGGCGCTCTCTTGAGGCGCCGCGTCCGGGGC[C>CGGGGCCGGGGCG]GGGGCCGGGGCGGGGGCCGGGGCCGGGGCCGGGGCCGGGGCTGGGGCCGGGGCCGCGACT-3'